The following is an entry in ClinVar:

NM_000492.4(CFTR):c.51C>T (p.Phe17=)

Gene: CFTR (CF transmembrane conductance regulator; plus strand). Cytogenetic location: 7q31.2.
Variant type: single nucleotide variant.
Coding change: c.51C>T on transcript NM_000492.4 (MANE Select); coding-DNA position 51, C replaced by T.
Protein change: p.Phe17=; no amino-acid change (phenylalanine 17 retained).
Molecular consequence: synonymous variant.
Genome position (GRCh38, 1-based): chr7:117,480,145, C>T. VCF-style: chr7-117480145-C-T. GRCh37 (hg19) VCF-style: chr7-117120199-C-T.
Identifiers: ClinVar variation 3912006 (VCV003912006.2).

ClinVar aggregate classification (germline): Uncertain significance (1 of 4 stars; one submission).

Submission:

Women's Health and Genetics/Laboratory Corporation of America, LabCorp
Classification: Uncertain significance. Last evaluated: 2025-07-01. Review status: criteria provided, single submitter. Criteria: LabCorp Variant Classification Summary - May 2015. Collection method: clinical testing. Allele origin: germline.
Comment: Variant summary: CFTR c.51C>T (p.Phe17Phe) alters a conserved nucleotide located close to a canonical splice site and therefore could affect mRNA splicing, leading to a significantly altered protein sequence. Consensus agreement among computation tools predict no significant impact on normal splicing. However, these predictions have yet to be confirmed by functional studies. The variant was absent in 250390 control chromosomes. The available data on variant occurrences in the general population are insufficient to allow any conclusion about variant significance. To our knowledge, no occurrence of c.51C>T in individuals affected with Chronic Pancreatitis or other CFTR-related disorders and no experimental evidence demonstrating its impact on protein function have been reported. No submitters have cited clinical-significance assessments for this variant to ClinVar. Based on the evidence outlined above, the variant was classified as uncertain significance.